The following is an entry in ClinVar:

NM_032638.5(GATA2):c.856G>T (p.Ala286Ser)

Gene: GATA2 (GATA binding protein 2; minus strand). Cytogenetic location: 3q21.3.
Variant type: single nucleotide variant.
Coding change: c.856G>T on transcript NM_032638.5 (MANE Select); coding-DNA position 856, G replaced by T.
Protein change: p.Ala286Ser; replaces alanine 286 with serine.
Molecular consequence: missense variant.
Genome position (GRCh38, 1-based): chr3:128,485,742, C>A on the plus strand (G>T on the coding strand, the complement: GATA2 is on the minus strand). VCF-style: chr3-128485742-C-A. GRCh37 (hg19) VCF-style: chr3-128204585-C-A.
Other names: c.856G>T, p.Ala286Ser (NM_001145661.2, NM_001145662.1); short protein forms A286S.
Identifiers: ClinVar variation 1358684 (VCV001358684.8), dbSNP rs1443864030, ClinGen allele CA2599950.

ClinVar aggregate classification (germline): Uncertain significance (1 of 4 stars; one submission).

Conditions:
Deafness-lymphedema-leukemia syndrome. Also called: Emberger syndrome; Lymphedema, primary, with myelodysplasia. Identifiers: Orphanet 3226, MedGen C3279664, MONDO:0013540, OMIM 614038.
Monocytopenia with susceptibility to infections. Also called: IMMUNODEFICIENCY 21; GATA2 DEFICIENCY; MONOCYTOPENIA AND MYCOBACTERIAL INFECTION SYNDROME; MONOCYTOPENIA WITH SUSCEPTIBILITY TO MYCOBACTERIAL, FUNGAL, AND PAPILLOMAVIRUS INFECTIONS AND MYELODYSPLASIA; COMBINED IMMUNODEFICIENCY WITH SUSCEPTIBILITY TO MYCOBACTERIAL, VIRAL, AND FUNGAL INFECTIONS; Dendritic cell, monocyte, B lymphocyte, and natural killer lymphocyte deficiency. Identifiers: Orphanet 228423, MedGen C3280030, MONDO:0013607, OMIM 614172.

Allele frequency attached by ClinVar (database versions not stated): gnomAD exomes below 0.00001; ExAC 0.00001.
gnomAD v4.1: 3 of 1,613,852 alleles (0.00019%); highest among the groups gnomAD compares: African/African-American, 0.0027%; no homozygotes.

Submission:

Labcorp Genetics (formerly Invitae), Labcorp
Classification: Uncertain significance for Monocytopenia with susceptibility to infections; Deafness-lymphedema-leukemia syndrome. Last evaluated: 2023-08-17. Review status: criteria provided, single submitter. Criteria: Invitae Variant Classification Sherloc (09022015). Collection method: clinical testing. Allele origin: germline.
Comment: In summary, the available evidence is currently insufficient to determine the role of this variant in disease. Therefore, it has been classified as a Variant of Uncertain Significance. Advanced modeling of protein sequence and biophysical properties (such as structural, functional, and spatial information, amino acid conservation, physicochemical variation, residue mobility, and thermodynamic stability) performed at Invitae indicates that this missense variant is not expected to disrupt GATA2 protein function. ClinVar contains an entry for this variant (Variation ID: 1358684). This variant has not been reported in the literature in individuals affected with GATA2-related conditions. This variant is present in population databases (no rsID available, gnomAD 0.0009%). This sequence change replaces alanine, which is neutral and non-polar, with serine, which is neutral and polar, at codon 286 of the GATA2 protein (p.Ala286Ser).